The following is an entry in ClinVar:

ClinVar aggregate classification (germline): Uncertain significance. Review status: criteria provided, multiple submitters, no conflicts (2 of 4 stars). 2 submissions from 2 submitters: Uncertain significance (2). Last evaluated 2025-06-20.

Conditions:
Deficiency of alpha-mannosidase (MANSA). Also called: Alpha-Mannosidosis; Mannosidosis, alpha-, types I and II; LYSOSOMAL ALPHA-D-MANNOSIDASE DEFICIENCY. Identifiers: Orphanet 61, MedGen C0024748, MONDO:0009561, OMIM 248500.

Allele frequency attached by ClinVar (database versions not stated): gnomAD exomes below 0.00001 and 0.00001; ExAC 0.00001; gnomAD 0.00001; TOPMed 0.00002; ESP Exome Variant Server 0.00008.

Submissions (2):

Labcorp Genetics (formerly Invitae), Labcorp
Classification: Uncertain significance for Deficiency of alpha-mannosidase. Last evaluated: 2025-06-20. Review status: criteria provided, single submitter. Criteria: Invitae Variant Classification Sherloc (09022015). Collection method: clinical testing. Allele origin: germline.
Comment: This sequence change replaces asparagine, which is neutral and polar, with aspartic acid, which is acidic and polar, at codon 437 of the MAN2B1 protein (p.Asn437Asp). This variant is present in population databases (rs370036738, gnomAD 0.0009%). This variant has not been reported in the literature in individuals affected with MAN2B1-related conditions. ClinVar contains an entry for this variant (Variation ID: 1436139). An algorithm developed to predict the effect of missense changes on protein structure and function (PolyPhen-2) suggests that this variant is likely to be tolerated. In summary, the available evidence is currently insufficient to determine the role of this variant in disease. Therefore, it has been classified as a Variant of Uncertain Significance.

Fulgent Genetics
Classification: Uncertain significance for Deficiency of alpha-mannosidase. Last evaluated: 2021-11-30. Review status: criteria provided, single submitter. Criteria: ACMG Guidelines, 2015. Collection method: clinical testing. Allele origin: unknown.

NM_000528.4(MAN2B1):c.1309A>G (p.Asn437Asp)

Gene: MAN2B1 (mannosidase alpha class 2B member 1; minus strand). Cytogenetic location: 19p13.13.
Variant type: single nucleotide variant.
Coding change: c.1309A>G on transcript NM_000528.4 (MANE Select); coding-DNA position 1309, A replaced by G.
Protein change: p.Asn437Asp; replaces asparagine 437 with aspartic acid.
Molecular consequence: missense variant.
Genome position (GRCh38, 1-based): chr19:12,658,063, T>C on the plus strand (A>G on the coding strand, the complement: MAN2B1 is on the minus strand). VCF-style: chr19-12658063-T-C. GRCh37 (hg19) VCF-style: chr19-12768877-T-C.
Other names: c.1306A>G, p.Asn436Asp (NM_001173498.2); short protein forms N437D, N436D.
Identifiers: ClinVar variation 1436139 (VCV001436139.5), dbSNP rs370036738, ClinGen allele CA9226509.
Genomic context (GRCh38, chr19:12,658,063, plus strand): 5'-CCTAGGGGTGGTTTCCAACTTCAGCCGCAAACCTCTTCCCCTCTTGGGCCCGACACTTAC[T>C]GAGGGGTGCACTGTCTCCGGAGCCATAGGGTCCCACGTTGGCCGCCAGGCCCACCAGCGC-3'
Protein context (NP_000519.2, residues 427-447): PYGSGDSAPL[Asn437Asp]EAMAVLQHHD